The following is an entry in ClinVar:

NM_000048.4(ASL):c.1030C>T (p.Gln344Ter)

Gene: ASL (argininosuccinate lyase; plus strand). Cytogenetic location: 7q11.21.
Variant type: single nucleotide variant.
Coding change: c.1030C>T on transcript NM_000048.4 (MANE Select); coding-DNA position 1030, C replaced by T.
Protein change: p.Gln344Ter; replaces glutamine 344 with a stop codon.
Molecular consequence: nonsense.
Genome position (GRCh38, 1-based): chr7:66,089,663, C>T. VCF-style: chr7-66089663-C-T. GRCh37 (hg19) VCF-style: chr7-65554650-C-T.
Other names: c.1030C>T, p.Gln344Ter (NM_001024943.2); c.970C>T, p.Gln324Ter (NM_001024944.2); c.952C>T, p.Gln318Ter (NM_001024946.2); short protein forms Q344*, Q318*, Q324*.
Identifiers: ClinVar variation 5003285 (VCV005003285.1).

ClinVar aggregate classification (germline): Pathogenic (1 of 4 stars; one submission).

Conditions:
Argininosuccinate lyase deficiency. Also called: Argininosuccinic aciduria; ARGININOSUCCINIC ACID LYASE DEFICIENCY; ASL DEFICIENCY. Identifiers: Orphanet 23, MedGen C0268547, MONDO:0008815, OMIM 207900, HP:0025630.

Submission:

Myriad Genetics, Inc.
Classification: Pathogenic for Argininosuccinate lyase deficiency. Last evaluated: 2026-08-26. Review status: criteria provided, single submitter. Criteria: Myriad Autosomal Dominant, Autosomal Recessive and X-Linked Classification Criteria (2023). Collection method: clinical testing. Allele origin: unknown.
Comment: NM_001024943.1(ASL):c.1030C>T(Q344*) is a nonsense variant classified as pathogenic in the context of argininosuccinic aciduria. Q344* has been observed in a case with relevant disease (PMID: 24166829). Relevant functional assessments of this variant are not available in the literature. Q344* has not been observed in referenced population frequency databases. In summary, NM_001024943.1(ASL):c.1030C>T(Q344*) is a nonsense variant in a gene where loss of function is a known mechanism of disease, is predicted to disrupt protein function, and has been observed more frequently in cases with the relevant disease than in healthy populations. Please note: this variant was assessed in the context of healthy population screening.

Literature cited by the submitters: PubMed 24166829.